The following is an entry in ClinVar:

ClinVar aggregate classification (germline): Uncertain significance (1 of 4 stars; one submission).

gnomAD v4.1: 7 of 1,607,412 alleles (0.00044%); highest among the groups gnomAD compares: Non-Finnish European, 0.00059%; no homozygotes.

Submission:

Labcorp Genetics (formerly Invitae), Labcorp
Classification: Uncertain significance. Last evaluated: 2022-11-01. Review status: criteria provided, single submitter. Criteria: Invitae Variant Classification Sherloc (09022015). Collection method: clinical testing. Allele origin: germline.
Comment: ClinVar contains an entry for this variant (Variation ID: 1385272). In summary, the available evidence is currently insufficient to determine the role of this variant in disease. Therefore, it has been classified as a Variant of Uncertain Significance. Advanced modeling of protein sequence and biophysical properties (such as structural, functional, and spatial information, amino acid conservation, physicochemical variation, residue mobility, and thermodynamic stability) performed at Invitae indicates that this missense variant is not expected to disrupt CPLANE1 protein function. This variant has not been reported in the literature in individuals affected with CPLANE1-related conditions. This variant is not present in population databases (gnomAD no frequency). This sequence change replaces cysteine, which is neutral and slightly polar, with phenylalanine, which is neutral and non-polar, at codon 1316 of the CPLANE1 protein (p.Cys1316Phe).

NM_001384732.1(CPLANE1):c.3947G>T (p.Cys1316Phe)

Gene: CPLANE1 (ciliogenesis and planar polarity effector complex subunit 1; minus strand). Cytogenetic location: 5p13.2.
Variant type: single nucleotide variant.
Coding change: c.3947G>T on transcript NM_001384732.1 (MANE Select); coding-DNA position 3947, G replaced by T.
Protein change: p.Cys1316Phe; replaces cysteine 1316 with phenylalanine.
Molecular consequence: missense variant.
Genome position (GRCh38, 1-based): chr5:37,187,547, C>A on the plus strand (G>T on the coding strand, the complement: CPLANE1 is on the minus strand). VCF-style: chr5-37187547-C-A. GRCh37 (hg19) VCF-style: chr5-37187649-C-A.
Other names: c.3947G>T, p.Cys1316Phe (NM_023073.4); short protein forms C1316F.
Identifiers: ClinVar variation 1385272 (VCV001385272.8), dbSNP rs760729964, ClinGen allele CA359506685.